The following is an entry in ClinVar:

ClinVar aggregate classification (germline): Pathogenic (1 of 4 stars; one submission).

Conditions:
Familial focal epilepsy with variable foci (FPEVF). Identifiers: Orphanet 98820, MedGen C1858477, MONDO:0020310.

Submission:

Labcorp Genetics (formerly Invitae), Labcorp
Classification: Pathogenic for Familial focal epilepsy with variable foci. Last evaluated: 2022-04-25. Review status: criteria provided, single submitter. Criteria: Invitae Variant Classification Sherloc (09022015). Collection method: clinical testing. Allele origin: germline.
Comment: For these reasons, this variant has been classified as Pathogenic. This variant has not been reported in the literature in individuals affected with DEPDC5-related conditions. This variant is not present in population databases (gnomAD no frequency). This sequence change creates a premature translational stop signal (p.Ser120Phefs*23) in the DEPDC5 gene. It is expected to result in an absent or disrupted protein product. Loss-of-function variants in DEPDC5 are known to be pathogenic (PMID: 23542697, 23542701).

Literature cited by the submitters: PubMed 23542697; PubMed 23542701.

NM_001242896.3(DEPDC5):c.357_358del (p.Ser120fs)

Gene: DEPDC5 (DEP domain containing 5, GATOR1 subcomplex subunit; plus strand). Cytogenetic location: 22q12.2.
Variant type: Deletion.
Coding change: c.357_358del on transcript NM_001242896.3 (MANE Select); coding-DNA positions 357 to 358, 2 bases deleted (AA; older notation c.357_358delAA).
Protein change: p.Ser120fs; shifts the reading frame from serine 120.
Molecular consequence: frameshift variant. On other transcripts: non-coding transcript variant (5), intron variant (2).
Genome position (GRCh38, 1-based): chr22:31,766,662-31,766,663, AA deleted; deleting any 2 consecutive bases within chr22:31,766,660-31,766,663 gives the same sequence; the c. name uses the placement nearest the transcript's 3' end. VCF-style (leftmost placement, unchanged base first): chr22-31766659-GAA-G. GRCh37 (hg19) VCF-style: chr22-32162645-GAA-G.
Other names: c.357_358del, p.Ser120fs (NM_001007188.4, NM_001136029.4, NM_001242897.2 and 7 more transcripts); c.279+1602_279+1603del (NM_001369902.1, NM_001369901.1); short protein forms S120fs.
Identifiers: ClinVar variation 2109264 (VCV002109264.4), dbSNP rs2517947534, ClinGen allele CA2580099623.